The following is an entry in ClinVar:

NM_000038.6(APC):c.6948A>G (p.Pro2316=)

Gene: APC (APC regulator of Wnt signaling pathway; plus strand). Cytogenetic location: 5q22.2.
Variant type: single nucleotide variant.
Coding change: c.6948A>G on transcript NM_000038.6 (MANE Select); coding-DNA position 6948, A replaced by G.
Protein change: p.Pro2316=; no amino-acid change (proline 2316 retained).
Molecular consequence: synonymous variant.
Genome position (GRCh38, 1-based): chr5:112,842,542, A>G. VCF-style: chr5-112842542-A-G. GRCh37 (hg19) VCF-style: chr5-112178239-A-G.
Other names: c.6948A>G, p.Pro2316= (NM_001127510.3, NM_001354895.2); c.6894A>G, p.Pro2298= (NM_001127511.3); c.7002A>G, p.Pro2334= (NM_001354896.2); c.6978A>G, p.Pro2326= (NM_001354897.2); c.6873A>G, p.Pro2291= (NM_001354898.2); c.6864A>G, p.Pro2288= (NM_001354899.2); c.6825A>G, p.Pro2275= (NM_001354900.2); c.6771A>G, p.Pro2257= (NM_001354901.2); and 5 more.
Identifiers: ClinVar variation 230394 (VCV000230394.32), dbSNP rs202144406, ClinGen allele CA046486.

ClinVar aggregate classification (germline): Benign/Likely benign. Review status: criteria provided, multiple submitters, no conflicts (2 of 4 stars). 13 submissions from 13 submitters: Benign (8); Likely benign (5). Last evaluated 2026-01-16.

Conditions:
Classic or attenuated familial adenomatous polyposis. Identifiers: MedGen CN372698, MONDO:0021057.
Familial adenomatous polyposis 1 (FAP1). Also called: FAMILIAL ADENOMATOUS POLYPOSIS 1, ATTENUATED; POLYPOSIS, ADENOMATOUS INTESTINAL. Identifiers: MedGen C2713442, MONDO:0021056, OMIM 175100. Disease mechanism: loss of function.
Hereditary cancer-predisposing syndrome. Also called: Neoplastic Syndromes, Hereditary; Hereditary Cancer Syndrome; Tumor predisposition; Hereditary neoplastic syndrome. Identifiers: Orphanet 140162, MedGen C0027672, MeSH D009386, MONDO:0015356.

Allele frequency attached by ClinVar (database versions not stated): gnomAD 0.00001 and 0.00009; TOPMed 0.00005; gnomAD exomes 0.00014 and 0.00027; ExAC 0.00029; 1000 Genomes Project 30x 0.00062; 1000 Genomes Project 0.00080.

Submissions (13):

Labcorp Genetics (formerly Invitae), Labcorp
Classification: Benign for Familial adenomatous polyposis 1. Last evaluated: 2026-01-16. Review status: criteria provided, single submitter. Criteria: Invitae Variant Classification Sherloc (09022015). Collection method: clinical testing. Allele origin: germline.

Quest Diagnostics Nichols Institute San Juan Capistrano
Classification: Benign. Last evaluated: 2025-06-30. Review status: criteria provided, single submitter. Criteria: Quest Diagnostics criteria. Collection method: clinical testing. Allele origin: unknown.

Center for Genomic Medicine, Rigshospitalet, Copenhagen University Hospital
Classification: Benign. Last evaluated: 2025-03-04. Review status: criteria provided, single submitter. Criteria: ACMG Guidelines, 2015. Collection method: clinical testing. Allele origin: germline.

Myriad Genetics, Inc.
Classification: Benign for Familial adenomatous polyposis 1. Last evaluated: 2024-04-08. Review status: criteria provided, single submitter. Criteria: Myriad Autosomal Dominant, Autosomal Recessive and X-Linked Classification Criteria (2023). Collection method: clinical testing. Allele origin: unknown.
Comment: This variant is considered benign. This variant is a silent/synonymous amino acid change and it is not expected to impact splicing.

Blueprint Genetics
Classification: Likely benign. Last evaluated: 2024-03-07. Review status: criteria provided, single submitter. Criteria: ACMG Guidelines, 2015. Collection method: clinical testing. Allele origin: germline.

All of Us Research Program, National Institutes of Health
Classification: Likely benign for Classic or attenuated familial adenomatous polyposis. Last evaluated: 2023-10-02. Review status: criteria provided, single submitter. Criteria: ACMG Guidelines, 2015. Collection method: clinical testing. Allele origin: germline. Inheritance: Autosomal dominant inheritance. Observed: 6 variant alleles, 6 heterozygotes.
Comment: This study involves interpretation of variants in research participants for the purpose of population health screening. Participant phenotype was not available at the time of variant classification. Additional details can be found in publication PMID: 35346344, PMCID: PMC8962531

KCCC/NGS Laboratory, Kuwait Cancer Control Center
Classification: Benign for Familial adenomatous polyposis 1. Last evaluated: 2023-07-07. Review status: criteria provided, single submitter. Criteria: ACMG Guidelines, 2015. Collection method: clinical testing. Allele origin: germline. Affected: yes.

Department of Pathology and Laboratory Medicine, Sinai Health System
Classification: Benign for classic or attenuated familial adenomatous polyposis. Last evaluated: 2022-06-13. Review status: criteria provided, single submitter. Criteria: ACMG Guidelines, 2015. Collection method: clinical testing. Allele origin: germline. Affected: yes.

Women's Health and Genetics/Laboratory Corporation of America, LabCorp
Classification: Benign. Last evaluated: 2022-05-03. Review status: criteria provided, single submitter. Criteria: LabCorp Variant Classification Summary - May 2015. Collection method: clinical testing. Allele origin: germline.

GeneDx
Classification: Likely benign. Last evaluated: 2021-09-27. Review status: criteria provided, single submitter. Criteria: GeneDx Variant Classification Process June 2021. Collection method: clinical testing. Allele origin: germline. Affected: yes.
Comment: This variant is associated with the following publications: (PMID: 20233475)

Sema4
Classification: Benign for Hereditary cancer-predisposing syndrome. Last evaluated: 2021-09-09. Review status: criteria provided, single submitter. Criteria: Sema4 Curation Guidelines. Collection method: curation. Allele origin: germline.

Color Diagnostics, LLC DBA Color Health
Classification: Likely benign for Hereditary cancer-predisposing syndrome. Last evaluated: 2016-08-19. Review status: criteria provided, single submitter. Criteria: ACMG Guidelines, 2015. Collection method: clinical testing. Allele origin: germline.

Ambry Genetics
Classification: Likely benign for Hereditary cancer-predisposing syndrome. Last evaluated: 2016-03-25. Review status: criteria provided, single submitter. Criteria: Ambry Variant Classification Scheme 2023. Collection method: clinical testing. Allele origin: germline.